The following is an entry in ClinVar:

NM_003268.6(TLR5):c.2160T>A (p.Ser720Arg)

Gene: TLR5 (toll like receptor 5; minus strand). Cytogenetic location: 1q41.
Variant type: single nucleotide variant.
Coding change: c.2160T>A on transcript NM_003268.6 (MANE Select); coding-DNA position 2160, T replaced by A.
Protein change: p.Ser720Arg; replaces serine 720 with arginine.
Molecular consequence: missense variant.
Genome position (GRCh38, 1-based): chr1:223,110,872, A>T on the plus strand (T>A on the coding strand, the complement: TLR5 is on the minus strand). VCF-style: chr1-223110872-A-T. GRCh37 (hg19) VCF-style: chr1-223284214-A-T.
Other names: short protein forms S720R.
Identifiers: ClinVar variation 3034673 (VCV003034673.2), dbSNP rs142143294, ClinGen allele CA1409704.

ClinVar aggregate classification (germline): Likely benign (0 of 4 stars; one submission).

Conditions:
TLR5-related disorder. Also called: TLR5-related condition.

Allele frequency attached by ClinVar (database versions not stated): 1000 Genomes Project 0.00060; 1000 Genomes Project 30x 0.00062; ExAC 0.00125; TOPMed 0.00137; gnomAD 0.00161; ESP Exome Variant Server 0.00261; gnomAD exomes 0.00329.
gnomAD v4.1: 4,924 of 1,614,248 alleles (0.31%); highest among the groups gnomAD compares: Non-Finnish European, 0.41%; 15 homozygotes.

Submission:

PreventionGenetics, part of Exact Sciences
Classification: Likely benign for TLR5-related condition. Last evaluated: 2023-01-10. Review status: no assertion criteria provided. Collection method: clinical testing. Allele origin: germline.
Comment: This variant is classified as likely benign based on ACMG/AMP sequence variant interpretation guidelines (Richards et al. 2015 PMID: 25741868, with internal and published modifications).